The following is an entry in ClinVar:

ClinVar aggregate classification (germline): Uncertain significance (1 of 4 stars; one submission).

Conditions:
Immunodeficiency. Identifiers: MedGen C0021051, MONDO:0021094, HP:0002721.

Submission:

Labcorp Genetics (formerly Invitae), Labcorp
Classification: Uncertain significance for Immunodeficiency. Last evaluated: 2025-02-13. Review status: criteria provided, single submitter. Criteria: Invitae Variant Classification Sherloc (09022015). Collection method: clinical testing. Allele origin: germline.
Comment: This sequence change replaces glutamine, which is neutral and polar, with histidine, which is basic and polar, at codon 723 of the NFAT5 protein (p.Gln723His). This variant is not present in population databases (gnomAD no frequency). This variant has not been reported in the literature in individuals affected with NFAT5-related conditions. An algorithm developed to predict the effect of missense changes on protein structure and function (PolyPhen-2) suggests that this variant is likely to be disruptive. In summary, the available evidence is currently insufficient to determine the role of this variant in disease. Therefore, it has been classified as a Variant of Uncertain Significance.

NM_138713.4(NFAT5):c.2451A>C (p.Gln817His)

Gene: NFAT5 (nuclear factor of activated T cells 5; plus strand). Cytogenetic location: 16q22.1.
Variant type: single nucleotide variant.
Coding change: c.2451A>C on transcript NM_138713.4 (MANE Select); coding-DNA position 2451, A replaced by C.
Protein change: p.Gln817His; replaces glutamine 817 with histidine.
Molecular consequence: missense variant.
Genome position (GRCh38, 1-based): chr16:69,692,276, A>C. VCF-style: chr16-69692276-A-C. GRCh37 (hg19) VCF-style: chr16-69726179-A-C.
Other names: c.2448A>C, p.Gln816His (NM_001113178.3); c.1776A>C, p.Gln592His (NM_001367709.1); c.2397A>C, p.Gln799His (NM_006599.4); c.2169A>C, p.Gln723His (NM_138714.4, NM_173214.3, NM_173215.3); short protein forms Q723H, Q799H, Q816H, Q592H, Q817H.
Identifiers: ClinVar variation 4764780 (VCV004764780.1).
Genomic context (GRCh38, chr16:69,692,276, plus strand): 5'-AGCAGGGAGTTTCACAGGCAGTACTGCTAGTGGCAGCAGTGGAAGTGTTGACTTGGTCCA[A>C]CAAGTTTTAGAGGCACAGCAGCAGTTATCTTCAGTTTTATTTTCTGCTCCAGATGGTAAT-3'
Protein context (NP_619727.2, residues 807-827): SGSSGSVDLV[Gln817His]QVLEAQQQLS